The following is an entry in ClinVar:

NC_000014.8:g.(?_21161724)_(21162167_?)dup

Genes: ANG (angiogenin; plus strand), RNASE4 (ribonuclease A family member 4; plus strand). Cytogenetic location: 14q11.2.
Variant type: Duplication.
Identifiers: ClinVar variation 2423882 (VCV002423882.3).

ClinVar aggregate classification (germline): Uncertain significance (1 of 4 stars; one submission).

Submission:

Labcorp Genetics (formerly Invitae), Labcorp
Classification: Uncertain significance. Last evaluated: 2022-09-12. Review status: criteria provided, single submitter. Criteria: Invitae Variant Classification Sherloc (09022015). Collection method: clinical testing. Allele origin: germline.
Comment: A copy number gain of the genomic region encompassing the full coding sequence of the ANG gene has been identified. The boundaries of this event are unknown as they extend beyond the assayed region for this gene and therefore may encompass additional genes. As the precise location of this event is unknown, it may be in tandem or it may be located elsewhere in the genome. This variant has not been reported in the literature in individuals affected with ANG-related conditions. In summary, the available evidence is currently insufficient to determine the role of this variant in disease. Therefore, it has been classified as a Variant of Uncertain Significance.